The following is an entry in ClinVar:

NM_182476.3(COQ6):c.1319C>A (p.Pro440Gln)

Genes: ENTPD5 (ectonucleoside triphosphate diphosphohydrolase 5; minus strand), COQ6 (coenzyme Q6, monooxygenase; plus strand). Cytogenetic location: 14q24.3.
Variant type: single nucleotide variant.
Coding change: c.1319C>A on transcript NM_182476.3 (MANE Select); coding-DNA position 1319, C replaced by A.
Protein change: p.Pro440Gln; replaces proline 440 with glutamine.
Molecular consequence: missense variant. On other transcripts: intron variant (7).
Genome position (GRCh38, 1-based): chr14:73,961,845, C>A. VCF-style: chr14-73961845-C-A. GRCh37 (hg19) VCF-style: chr14-74428548-C-A.
Other names: c.1211C>A, p.Pro404Gln (NM_001425256.1); c.1154C>A, p.Pro385Gln (NM_001425257.1); c.1136C>A, p.Pro379Gln (NM_001425258.1); c.1094C>A, p.Pro365Gln (NM_001425259.1, NM_001425260.1, NM_001425261.1); c.1064C>A, p.Pro355Gln (NM_001425262.1); c.992C>A, p.Pro331Gln (NM_001425263.1); c.779C>A, p.Pro260Gln (NM_001425264.1, NM_001425265.1); c.1244C>A, p.Pro415Gln (NM_182480.3); and 5 more; short protein forms P415Q, P440Q.
Identifiers: ClinVar variation 713500 (VCV000713500.25), dbSNP rs148444170, ClinGen allele CA7264502.
Genomic context (GRCh38, chr14:73,961,845, plus strand): 5'-ACACTGCTCTTCTGGCTGCTACAGACTTACTAAAAAGGCTCTATTCTACCAGTGCCTCCC[C>A]GCTTGTGTTGCTCAGGACGTGGGGCTTGCAGGCCACAAATGCAGTGTCTCCACTCAAAGT-3'
Protein context (NP_872282.1, residues 430-450): LKRLYSTSAS[Pro440Gln]LVLLRTWGLQ

ClinVar aggregate classification (germline): Conflicting classifications of pathogenicity. Review status: criteria provided, conflicting classifications (1 of 4 stars). 7 submissions from 7 submitters: Uncertain significance (1); Benign (1); Likely benign (4). 1 of the submissions does not count toward it. Last evaluated 2025-11-12.

Conditions:
Familial steroid-resistant nephrotic syndrome with sensorineural deafness. Identifiers: Orphanet 280406, MedGen C3553349, MONDO:0013836, OMIM 614650.
COQ6-related disorder. Also called: COQ6-related condition.

Allele frequency attached by ClinVar (database versions not stated): TOPMed 0.00078; gnomAD 0.00057; 1000 Genomes Project 0.00180; ESP Exome Variant Server 0.00015; 1000 Genomes Project 30x 0.00187.
gnomAD v4.1: 569 of 1,614,204 alleles (0.035%); highest among the groups gnomAD compares: East Asian, 0.75%; 4 homozygotes.

Submissions (8):

Labcorp Genetics (formerly Invitae), Labcorp
Classification: Benign. Last evaluated: 2025-11-12. Review status: criteria provided, single submitter. Criteria: Invitae Variant Classification Sherloc (09022015). Collection method: clinical testing. Allele origin: germline.

CeGaT Center for Human Genetics Tuebingen
Classification: Likely benign. Last evaluated: 2025-10-01. Review status: criteria provided, single submitter. Criteria: CeGaT Center For Human Genetics Tuebingen Variant Classification Criteria Version 2. Collection method: clinical testing. Allele origin: germline. Affected: yes. Observed: 1 variant allele.
Comment: COQ6: BS2

Blueprint Genetics
Classification: Uncertain significance. Last evaluated: 2024-11-01. Review status: criteria provided, single submitter. Criteria: ACMG Guidelines, 2015. Collection method: clinical testing. Allele origin: germline.

Fulgent Genetics
Classification: Likely benign for Familial steroid-resistant nephrotic syndrome with sensorineural deafness. Last evaluated: 2022-04-22. Review status: criteria provided, single submitter. Criteria: ACMG Guidelines, 2015. Collection method: clinical testing. Allele origin: unknown.

GeneDx
Classification: Likely benign. Last evaluated: 2021-04-08. Review status: criteria provided, single submitter. Criteria: GeneDx Variant Classification Process June 2021. Collection method: clinical testing. Allele origin: germline. Affected: yes.
Comment: This variant is associated with the following publications: (PMID: 28476686)

Breakthrough Genomics
Classification: Likely benign. Review status: criteria provided, single submitter. Criteria: ACMG Guidelines, 2015. Collection method: not provided. Allele origin: germline. Inheritance: Autosomal recessive inheritance. Affected: yes.

PreventionGenetics, part of Exact Sciences
Classification: Benign for COQ6-related condition. Last evaluated: 2019-05-22. Review status: no assertion criteria provided. Collection method: clinical testing. Allele origin: germline. Not counted in ClinVar's aggregate classification.
Comment: This variant is classified as benign based on ACMG/AMP sequence variant interpretation guidelines (Richards et al. 2015 PMID: 25741868, with internal and published modifications).

Dr. Peter K. Rogan Lab, Western University
No classification provided (evidence only). Condition: Adrenocortical carcinoma, hereditary. Review status: no classification provided. Collection method: in vitro. Allele origin: not applicable. Functional consequence: retained intron. Not counted in ClinVar's aggregate classification.